The following is an entry in ClinVar:

ClinVar aggregate classification (germline): Uncertain significance (1 of 4 stars; one submission).

Conditions:
Hereditary cancer-predisposing syndrome. Also called: Neoplastic Syndromes, Hereditary; Tumor predisposition; Hereditary Cancer Syndrome; Hereditary neoplastic syndrome. Identifiers: Orphanet 140162, MedGen C0027672, MeSH D009386, MONDO:0015356.

gnomAD v4.1: 1 of 1,614,092 alleles (0.000062%); highest among the groups gnomAD compares: Non-Finnish European, 0.000085%; no homozygotes.

Submission:

Ambry Genetics
Classification: Uncertain significance for Hereditary cancer-predisposing syndrome. Last evaluated: 2021-08-29. Review status: criteria provided, single submitter. Criteria: Ambry Variant Classification Scheme 2023. Collection method: clinical testing. Allele origin: germline.
Comment: The p.E134K variant (also known as c.400G>A), located in coding exon 3 of the XRCC2 gene, results from a G to A substitution at nucleotide position 400. The glutamic acid at codon 134 is replaced by lysine, an amino acid with similar properties. This amino acid position is conserved. In addition, the in silico prediction for this alteration is inconclusive. Since supporting evidence is limited at this time, the clinical significance of this alteration remains unclear.

NM_005431.2(XRCC2):c.400G>A (p.Glu134Lys)

Gene: XRCC2 (X-ray repair cross complementing 2; minus strand). Cytogenetic location: 7q36.1.
Variant type: single nucleotide variant.
Coding change: c.400G>A on transcript NM_005431.2 (MANE Select); coding-DNA position 400, G replaced by A.
Protein change: p.Glu134Lys; replaces glutamic acid 134 with lysine.
Molecular consequence: missense variant.
Genome position (GRCh38, 1-based): chr7:152,649,085, C>T on the plus strand (G>A on the coding strand, the complement: XRCC2 is on the minus strand). VCF-style: chr7-152649085-C-T. GRCh37 (hg19) VCF-style: chr7-152346170-C-T.
Other names: short protein forms E134K.
Identifiers: ClinVar variation 1737004 (VCV001737004.2), dbSNP rs868399438, ClinGen allele CA370198787.